The following is an entry in ClinVar:

NM_000368.5(TSC1):c.1308C>A (p.His436Gln)

Gene: TSC1 (TSC complex subunit 1; minus strand). Cytogenetic location: 9q34.13.
Variant type: single nucleotide variant.
Coding change: c.1308C>A on transcript NM_000368.5 (MANE Select); coding-DNA position 1308, C replaced by A.
Protein change: p.His436Gln; replaces histidine 436 with glutamine.
Molecular consequence: missense variant.
Genome position (GRCh38, 1-based): chr9:132,907,326, G>T on the plus strand (C>A on the coding strand, the complement: TSC1 is on the minus strand). VCF-style: chr9-132907326-G-T. GRCh37 (hg19) VCF-style: chr9-135782713-G-T.
Other names: c.1305C>A, p.His435Gln (NM_001406599.1, NM_001406600.1, NM_001406608.1 and 6 more transcripts); c.1308C>A, p.His436Gln (NM_001406601.1, NM_001406602.1, NM_001406605.1 and 7 more transcripts); c.945C>A, p.His315Gln (NM_001406618.1, NM_001406624.1, NM_001406619.1 and 5 more transcripts); c.942C>A, p.His314Gln (NM_001406623.1, NM_001406625.1, NM_001406620.1 and 2 more transcripts); c.1155C>A, p.His385Gln (NM_001162427.2, NM_001406610.1); c.1152C>A, p.His384Gln (NM_001406611.1, NM_001406612.1, NM_001406613.1); c.354C>A, p.His118Gln (NM_001406628.1, NM_001406627.1); c.255C>A, p.His85Gln (NM_001406629.1, NM_001406630.1); and 1 more; short protein forms H314Q, H436Q, H118Q, H119Q, H384Q, H315Q, H385Q, H435Q.
Identifiers: ClinVar variation 2006898 (VCV002006898.4), dbSNP rs2131879996, ClinGen allele CA375366129.

ClinVar aggregate classification (germline): Uncertain significance (1 of 4 stars; one submission).

Conditions:
Tuberous sclerosis 1 (TSC1). Identifiers: Orphanet 805, MedGen C1854465, MONDO:0008612, OMIM 191100.

Allele frequency attached by ClinVar (database versions not stated): gnomAD exomes below 0.00001.
gnomAD v4.1: 1 of 1,614,166 alleles (0.000062%); highest among the groups gnomAD compares: Non-Finnish European, 0.000085%; no homozygotes.

Submission:

Labcorp Genetics (formerly Invitae), Labcorp
Classification: Uncertain significance for Tuberous sclerosis 1. Last evaluated: 2023-08-23. Review status: criteria provided, single submitter. Criteria: Invitae Variant Classification Sherloc (09022015). Collection method: clinical testing. Allele origin: germline.
Comment: This sequence change replaces histidine, which is basic and polar, with glutamine, which is neutral and polar, at codon 436 of the TSC1 protein (p.His436Gln). This variant is not present in population databases (gnomAD no frequency). This variant has not been reported in the literature in individuals affected with TSC1-related conditions. ClinVar contains an entry for this variant (Variation ID: 2006898). Advanced modeling of protein sequence and biophysical properties (such as structural, functional, and spatial information, amino acid conservation, physicochemical variation, residue mobility, and thermodynamic stability) performed at Invitae indicates that this missense variant is not expected to disrupt TSC1 protein function. In summary, the available evidence is currently insufficient to determine the role of this variant in disease. Therefore, it has been classified as a Variant of Uncertain Significance.